The following is an entry in ClinVar:

NM_000059.4(BRCA2):c.7806-1254T>C

Gene: BRCA2 (BRCA2 DNA repair associated; plus strand). Cytogenetic location: 13q13.1.
Variant type: single nucleotide variant.
Coding change: c.7806-1254T>C on transcript NM_000059.4 (MANE Select); 1254 bases into the intron before coding-DNA position 7806, T replaced by C.
Molecular consequence: intron variant.
Genome position (GRCh38, 1-based): chr13:32,361,269, T>C. VCF-style: chr13-32361269-T-C. GRCh37 (hg19) VCF-style: chr13-32935406-T-C.
Other names: IVS 16-1254T>C.
Identifiers: ClinVar variation 209772 (VCV000209772.1), dbSNP rs9534259, ClinGen allele CA276740.

ClinVar aggregate classification (germline): Benign (3 of 4 stars; one submission).

Conditions:
Breast-ovarian cancer, familial, susceptibility to, 2 (BROVCA2). Also called: BRCA2 Hereditary Breast and Ovarian Cancer. Identifiers: Orphanet 145, MedGen C2675520, MONDO:0012933, OMIM 612555. Disease mechanism: loss of function.

Allele frequency attached by ClinVar (database versions not stated): 1000 Genomes Project 30x 0.13492; 1000 Genomes Project 0.13678; TOPMed 0.18203; gnomAD 0.19441 and 0.19648.
gnomAD v4.1: 29,649 of 152,154 alleles (19%); highest among the groups gnomAD compares: Non-Finnish European, 27%; 3,712 homozygotes.

Submission:

Evidence-based Network for the Interpretation of Germline Mutant Alleles (ENIGMA)
Classification: Benign for Breast-ovarian cancer, familial 2. Last evaluated: 2015-01-12. Review status: reviewed by expert panel. Criteria: ENIGMA BRCA1/2 Classification Criteria (2015). Collection method: curation. Allele origin: germline.
Comment: Class 1 not pathogenic based on frequency >1% in an outbred sampleset. Frequency 0.06294 (Asian), 0.01626 (African), 0.2836 (European), derived from 1000 genomes (2012-04-30).